The following is an entry in ClinVar:

ClinVar aggregate classification (germline): Uncertain significance (1 of 4 stars; one submission).

Conditions:
Developmental and epileptic encephalopathy 94 (DEE94). Also called: Epileptic encephalopathy, childhood-onset; CHD2-Related Neurodevelopmental Disorders. Identifiers: Orphanet 1942, Orphanet 2382, MedGen C3809278, MONDO:0014150, OMIM 615369.

Submission:

Labcorp Genetics (formerly Invitae), Labcorp
Classification: Uncertain significance for Developmental and epileptic encephalopathy 94. Last evaluated: 2025-03-19. Review status: criteria provided, single submitter. Criteria: Invitae Variant Classification Sherloc (09022015). Collection method: clinical testing. Allele origin: germline.
Comment: This sequence change replaces serine, which is neutral and polar, with cysteine, which is neutral and slightly polar, at codon 1538 of the CHD2 protein (p.Ser1538Cys). This variant is not present in population databases (gnomAD no frequency). This variant has not been reported in the literature in individuals affected with CHD2-related conditions. Invitae Evidence Modeling of protein sequence and biophysical properties (such as structural, functional, and spatial information, amino acid conservation, physicochemical variation, residue mobility, and thermodynamic stability) indicates that this missense variant is not expected to disrupt CHD2 protein function with a negative predictive value of 95%. This variant disrupts the p.Ser1538 amino acid residue in CHD2. Other variant(s) that disrupt this residue have been determined to be pathogenic (internal data). This suggests that this residue is clinically significant, and that variants that disrupt this residue are likely to be disease-causing. In summary, the available evidence is currently insufficient to determine the role of this variant in disease. Therefore, it has been classified as a Variant of Uncertain Significance.

NM_001271.4(CHD2):c.4613C>G (p.Ser1538Cys)

Gene: CHD2 (chromodomain helicase DNA binding protein 2; plus strand). Cytogenetic location: 15q26.1.
Variant type: single nucleotide variant.
Coding change: c.4613C>G on transcript NM_001271.4 (MANE Select); coding-DNA position 4613, C replaced by G.
Protein change: p.Ser1538Cys; replaces serine 1538 with cysteine.
Molecular consequence: missense variant.
Genome position (GRCh38, 1-based): chr15:93,012,365, C>G. VCF-style: chr15-93012365-C-G. GRCh37 (hg19) VCF-style: chr15-93555595-C-G.
Other names: short protein forms S1538C.
Identifiers: ClinVar variation 4802449 (VCV004802449.1).